The following is an entry in ClinVar:

NM_000936.4(PNLIP):c.1085C>T (p.Thr362Ile)

Gene: PNLIP (pancreatic lipase; plus strand). Cytogenetic location: 10q25.3.
Variant type: single nucleotide variant.
Coding change: c.1085C>T on transcript NM_000936.4 (MANE Select); coding-DNA position 1085, C replaced by T.
Protein change: p.Thr362Ile; replaces threonine 362 with isoleucine.
Molecular consequence: missense variant.
Genome position (GRCh38, 1-based): chr10:116,560,440, C>T. VCF-style: chr10-116560440-C-T. GRCh37 (hg19) VCF-style: chr10-118319952-C-T.
Other names: short protein forms T362I.
Identifiers: ClinVar variation 2008620 (VCV002008620.4), dbSNP rs2493062648, ClinGen allele CA378497908.

ClinVar aggregate classification (germline): Uncertain significance (1 of 4 stars; one submission).

Submission:

Labcorp Genetics (formerly Invitae), Labcorp
Classification: Uncertain significance. Last evaluated: 2022-06-20. Review status: criteria provided, single submitter. Criteria: Invitae Variant Classification Sherloc (09022015). Collection method: clinical testing. Allele origin: germline.
Comment: This sequence change replaces threonine, which is neutral and polar, with isoleucine, which is neutral and non-polar, at codon 362 of the PNLIP protein (p.Thr362Ile). In summary, the available evidence is currently insufficient to determine the role of this variant in disease. Therefore, it has been classified as a Variant of Uncertain Significance. Algorithms developed to predict the effect of missense changes on protein structure and function output the following: SIFT: "Not Available"; PolyPhen-2: "Benign"; Align-GVGD: "Not Available". The isoleucine amino acid residue is found in multiple mammalian species, which suggests that this missense change does not adversely affect protein function. This variant has not been reported in the literature in individuals affected with PNLIP-related conditions. This variant is not present in population databases (gnomAD no frequency).